The following is an entry in ClinVar:

ClinVar aggregate classification (germline): Uncertain significance. Review status: criteria provided, multiple submitters, no conflicts (2 of 4 stars). 4 submissions from 4 submitters: Uncertain significance (4). Last evaluated 2025-11-23.

Conditions:
Hereditary cancer-predisposing syndrome. Also called: Neoplastic Syndromes, Hereditary; Tumor predisposition; Hereditary Cancer Syndrome; Hereditary neoplastic syndrome. Identifiers: Orphanet 140162, MedGen C0027672, MeSH D009386, MONDO:0015356.

Submissions (4):

Labcorp Genetics (formerly Invitae), Labcorp
Classification: Uncertain significance. Last evaluated: 2025-11-23. Review status: criteria provided, single submitter. Criteria: Invitae Variant Classification Sherloc (09022015). Collection method: clinical testing. Allele origin: germline.
Comment: This variant, c.309_311del, results in the deletion of 1 amino acid(s) of the HOXB13 protein (p.Ala104del), but otherwise preserves the integrity of the reading frame. This variant is present in population databases (rs767438744, gnomAD 0.002%). This variant has not been reported in the literature in individuals affected with HOXB13-related conditions. ClinVar contains an entry for this variant (Variation ID: 483511). Experimental studies and prediction algorithms are not available or were not evaluated, and the functional significance of this variant is currently unknown. In summary, the available evidence is currently insufficient to determine the role of this variant in disease. Therefore, it has been classified as a Variant of Uncertain Significance.

Ambry Genetics
Classification: Uncertain significance for Hereditary cancer-predisposing syndrome. Last evaluated: 2024-12-31. Review status: criteria provided, single submitter. Criteria: Ambry Variant Classification Scheme 2023. Collection method: clinical testing. Allele origin: germline.
Comment: The c.309_311delAGC variant (also known as p.A104del) is located in coding exon 1 of the HOXB13 gene. This variant results from an in-frame AGC deletion at nucleotide positions 309 to 311. This results in the in-frame deletion of an alanine at codon 104. This amino acid position is not well conserved in available vertebrate species. In addition, this alteration is predicted to be neutral by in silico analysis (Choi Y et al. PLoS ONE. 2012; 7(10):e46688). Based on the available evidence, the clinical significance of this variant remains unclear.

GeneDx
Classification: Uncertain significance. Last evaluated: 2023-09-25. Review status: criteria provided, single submitter. Criteria: GeneDx Variant Classification Process June 2021. Collection method: clinical testing. Allele origin: germline. Affected: yes.
Comment: Not observed at significant frequency in large population cohorts (gnomAD); In-frame deletion of 1 amino acid in a non-repeat region; In silico analysis supports a deleterious effect on protein structure/function; Has not been previously published as pathogenic or benign to our knowledge

Institute for Clinical Genetics, University Hospital TU Dresden, University Hospital TU Dresden
Classification: Uncertain significance. Last evaluated: 2021-11-03. Review status: criteria provided, single submitter. Criteria: ACMG Guidelines, 2015. Collection method: clinical testing. Allele origin: germline.

NM_006361.6(HOXB13):c.309_311del (p.Ala104del)

Gene: HOXB13 (homeobox B13; minus strand). Cytogenetic location: 17q21.32.
Variant type: Deletion.
Coding change: c.309_311del on transcript NM_006361.6 (MANE Select); coding-DNA positions 309 to 311, 3 bases deleted (AGC; older notation c.309_311delAGC).
Protein change: p.Ala104del; deletes alanine 104.
Molecular consequence: inframe deletion.
Genome position (GRCh38, 1-based): chr17:48,728,283-48,728,285, GCT deleted on the plus strand (AGC on the coding strand, the reverse complement: HOXB13 is on the minus strand); deleting any 3 consecutive bases within chr17:48,728,283-48,728,287 gives the same sequence; the c. name uses the placement nearest the transcript's 3' end. VCF-style (leftmost placement, unchanged base first): chr17-48728282-GGCT-G. GRCh37 (hg19) VCF-style: chr17-46805644-GGCT-G.
Other names: c.309_311delAGC (NM_006361.5); short protein forms A104del.
Identifiers: ClinVar variation 483511 (VCV000483511.16), dbSNP rs767438744, ClinGen allele CA8634018.